The following is an entry in ClinVar:

ClinVar aggregate classification (germline): Uncertain significance (1 of 4 stars; one submission).

Conditions:
Idiopathic generalized epilepsy. Also called: EIG; Generalised epilepsy. Identifiers: MedGen C0270850, MONDO:0005579, OMIM 600669.
Hyperaldosteronism, familial, type IV (HALD4). Also called: FH IV; ALDOSTERONISM, PRIMARY, AND HYPERTENSION. Identifiers: Orphanet 642671, MedGen C4310756, MONDO:0014875, OMIM 617027.

gnomAD v4.1: 2 of 1,596,896 alleles (0.00013%); highest among the groups gnomAD compares: Admixed American, 0.0017%; no homozygotes.

Submission:

Labcorp Genetics (formerly Invitae), Labcorp
Classification: Uncertain significance for Idiopathic generalized epilepsy; Hyperaldosteronism, familial, type IV. Last evaluated: 2025-04-02. Review status: criteria provided, single submitter. Criteria: Invitae Variant Classification Sherloc (09022015). Collection method: clinical testing. Allele origin: germline.
Comment: This sequence change replaces histidine, which is basic and polar, with tyrosine, which is neutral and polar, at codon 1611 of the CACNA1H protein (p.His1611Tyr). This variant is not present in population databases (gnomAD no frequency). This variant has not been reported in the literature in individuals affected with CACNA1H-related conditions. Invitae Evidence Modeling of protein sequence and biophysical properties (such as structural, functional, and spatial information, amino acid conservation, physicochemical variation, residue mobility, and thermodynamic stability) indicates that this missense variant is not expected to disrupt CACNA1H protein function with a negative predictive value of 80%. In summary, the available evidence is currently insufficient to determine the role of this variant in disease. Therefore, it has been classified as a Variant of Uncertain Significance.

NM_021098.3(CACNA1H):c.4831C>T (p.His1611Tyr)

Gene: CACNA1H (calcium voltage-gated channel subunit alpha1 H; plus strand). Cytogenetic location: 16p13.3.
Variant type: single nucleotide variant.
Coding change: c.4831C>T on transcript NM_021098.3 (MANE Select); coding-DNA position 4831, C replaced by T.
Protein change: p.His1611Tyr; replaces histidine 1611 with tyrosine.
Molecular consequence: missense variant.
Genome position (GRCh38, 1-based): chr16:1,213,833, C>T. VCF-style: chr16-1213833-C-T. GRCh37 (hg19) VCF-style: chr16-1263833-C-T.
Other names: c.4813C>T, p.His1605Tyr (NM_001005407.2); short protein forms H1611Y, H1605Y.
Identifiers: ClinVar variation 4783287 (VCV004783287.1).